The following is an entry in ClinVar:

ClinVar aggregate classification (germline): Uncertain significance. Review status: criteria provided, multiple submitters, no conflicts (2 of 4 stars). 3 submissions from 3 submitters: Uncertain significance (3). Last evaluated 2023-11-17.

Conditions:
Cardiovascular phenotype. Identifiers: MedGen CN230736.
Dilated cardiomyopathy 1JJ (CMD1JJ). Identifiers: Orphanet 154, MedGen C3808935, MONDO:0014095, OMIM 615235.

gnomAD v4.1: 20 of 1,612,004 alleles (0.0012%); highest among the groups gnomAD compares: South Asian, 0.0077%; no homozygotes.

Submissions (3):

Ambry Genetics
Classification: Uncertain significance for Cardiovascular phenotype. Last evaluated: 2023-11-17. Review status: criteria provided, single submitter. Criteria: Ambry Variant Classification Scheme 2023. Collection method: clinical testing. Allele origin: germline.
Comment: The p.P1112H variant (also known as c.3335C>A), located in coding exon 24 of the LAMA4 gene, results from a C to A substitution at nucleotide position 3335. The proline at codon 1112 is replaced by histidine, an amino acid with similar properties. This amino acid position is highly conserved in available vertebrate species. In addition, this alteration is predicted to be deleterious by in silico analysis. The evidence for this gene-disease relationship is limited; therefore, the clinical significance of this alteration is unclear.

GeneDx
Classification: Uncertain significance. Last evaluated: 2021-04-09. Review status: criteria provided, single submitter. Criteria: GeneDx Variant Classification Process June 2021. Collection method: clinical testing. Allele origin: germline. Affected: yes.
Comment: Not observed at a significant frequency in large population cohorts (Lek et al., 2016); In silico analysis supports that this missense variant has a deleterious effect on protein structure/function; Has not been previously published as pathogenic or benign to our knowledge

Labcorp Genetics (formerly Invitae), Labcorp
Classification: Uncertain significance for Dilated cardiomyopathy 1JJ. Last evaluated: 2018-04-30. Review status: criteria provided, single submitter. Criteria: Invitae Variant Classification Sherloc (09022015). Collection method: clinical testing. Allele origin: germline.
Comment: This variant is present in population databases (rs1050349, ExAC 0.009%). This variant has not been reported in the literature in individuals with LAMA4-related disease. This sequence change replaces proline with histidine at codon 1112 of the LAMA4 protein (p.Pro1112His). The proline residue is highly conserved and there is a moderate physicochemical difference between proline and histidine. In summary, the available evidence is currently insufficient to determine the role of this variant in disease. Therefore, it has been classified as a Variant of Uncertain Significance. Algorithms developed to predict the effect of missense changes on protein structure and function (SIFT, PolyPhen-2, Align-GVGD) all suggest that this variant is likely to be disruptive, but these predictions have not been confirmed by published functional studies and their clinical significance is uncertain.

NM_001105206.3(LAMA4):c.3356C>A (p.Pro1119His)

Gene: LAMA4 (laminin subunit alpha 4; minus strand). Cytogenetic location: 6q21.
Variant type: single nucleotide variant.
Coding change: c.3356C>A on transcript NM_001105206.3 (MANE Select); coding-DNA position 3356, C replaced by A.
Protein change: p.Pro1119His; replaces proline 1119 with histidine.
Molecular consequence: missense variant.
Genome position (GRCh38, 1-based): chr6:112,136,181, G>T on the plus strand (C>A on the coding strand, the complement: LAMA4 is on the minus strand). VCF-style: chr6-112136181-G-T. GRCh37 (hg19) VCF-style: chr6-112457383-G-T.
Other names: c.3335C>A, p.Pro1112His (NM_001105207.3, NM_002290.5); short protein forms P1112H, P1119H.
Identifiers: ClinVar variation 998825 (VCV000998825.11), dbSNP rs1050349, ClinGen allele CA3965237.